The following is an entry in ClinVar:

NM_006206.6(PDGFRA):c.583G>C (p.Gly195Arg)

Gene: PDGFRA (platelet derived growth factor receptor alpha; plus strand). Cytogenetic location: 4q12.
Variant type: single nucleotide variant.
Coding change: c.583G>C on transcript NM_006206.6 (MANE Select); coding-DNA position 583, G replaced by C.
Protein change: p.Gly195Arg; replaces glycine 195 with arginine.
Molecular consequence: missense variant.
Genome position (GRCh38, 1-based): chr4:54,263,882, G>C. VCF-style: chr4-54263882-G-C. GRCh37 (hg19) VCF-style: chr4-55130049-G-C.
Other names: c.583G>C, p.Gly195Arg (NM_001347827.2, NM_001347829.2); c.658G>C, p.Gly220Arg (NM_001347828.2); c.622G>C, p.Gly208Arg (NM_001347830.2); short protein forms G195R, G208R, G220R.
Identifiers: ClinVar variation 4686942 (VCV004686942.2).
Genomic context (GRCh38, chr4:54,263,882, plus strand): 5'-AGACAGGGCTTTAATGGGACCTTCACTGTAGGGCCCTATATCTGTGAGGCCACCGTCAAA[G>C]GAAAGAAGTTCCAGACCATCCCATTTAATGTTTATGCTTTAAAAGGTACTTGTATCATCT-3'
Protein context (NP_006197.1, residues 185-205): GPYICEATVK[Gly195Arg]KKFQTIPFNV

ClinVar aggregate classification (germline): Uncertain significance. Review status: criteria provided, multiple submitters, no conflicts (2 of 4 stars). 2 submissions from 2 submitters: Uncertain significance (2). Last evaluated 2026-05-14.

Conditions:
Hereditary cancer-predisposing syndrome. Also called: Neoplastic Syndromes, Hereditary; Tumor predisposition; Hereditary Cancer Syndrome; Hereditary neoplastic syndrome. Identifiers: Orphanet 140162, MedGen C0027672, MeSH D009386, MONDO:0015356.

Submissions (2):

Ambry Genetics
Classification: Uncertain significance for Hereditary cancer-predisposing syndrome. Last evaluated: 2026-05-14. Review status: criteria provided, single submitter. Criteria: Ambry Variant Classification Scheme 2023. Collection method: clinical testing. Allele origin: germline.
Comment: The p.G195R variant (also known as c.583G>C), located in coding exon 3 of the PDGFRA gene, results from a G to C substitution at nucleotide position 583. The glycine at codon 195 is replaced by arginine, an amino acid with dissimilar properties. This amino acid position is conserved. In addition, this alteration is predicted to be tolerated by in silico analysis. Based on the available evidence, the clinical significance of this variant remains unclear.

GeneDx
Classification: Uncertain significance. Last evaluated: 2025-07-21. Review status: criteria provided, single submitter. Criteria: GeneDx Variant Classification Process June 2021. Collection method: clinical testing. Allele origin: germline. Affected: yes.
Comment: Not observed at significant frequency in large population cohorts (gnomAD); In silico analysis supports that this missense variant has a deleterious effect on protein structure/function; Has not been previously published as pathogenic or benign to our knowledge